The following is an entry in ClinVar:

NM_001042492.3(NF1):c.5832T>A (p.Leu1944=)

Gene: NF1 (neurofibromin 1; plus strand). Cytogenetic location: 17q11.2.
Variant type: single nucleotide variant.
Coding change: c.5832T>A on transcript NM_001042492.3 (MANE Select); coding-DNA position 5832, T replaced by A.
Protein change: p.Leu1944=; no amino-acid change (leucine 1944 retained).
Molecular consequence: synonymous variant.
Genome position (GRCh38, 1-based): chr17:31,334,857, T>A. VCF-style: chr17-31334857-T-A. GRCh37 (hg19) VCF-style: chr17-29661875-T-A.
Other names: c.5769T>A, p.Leu1923= (NM_000267.4).
Identifiers: ClinVar variation 1671762 (VCV001671762.9), dbSNP rs2151550292, ClinGen allele CA499233678.

ClinVar aggregate classification (germline): Benign/Likely benign. Review status: criteria provided, multiple submitters, no conflicts (2 of 4 stars). 2 submissions from 2 submitters: Benign (1); Likely benign (1). Last evaluated 2026-09-28.

Conditions:
Neurofibromatosis, type 1 (NF1). Also called: NEUROFIBROMATOSIS, TYPE I, SOMATIC; Neurofibromatosis, type I; VON RECKLINGHAUSEN DISEASE; Peripheral type neurofibromatosis. Identifiers: Orphanet 636, MedGen C0027831, MONDO:0018975, OMIM 162200. Disease mechanism: loss of function.

Submissions (2):

Myriad Genetics, Inc.
Classification: Benign for Neurofibromatosis, type 1. Last evaluated: 2026-09-28. Review status: criteria provided, single submitter. Criteria: Myriad Autosomal Dominant, Autosomal Recessive and X-Linked Classification Criteria (2023). Collection method: clinical testing. Allele origin: unknown.
Comment: This variant is considered benign. This variant is a silent/synonymous amino acid change and it is not expected to impact splicing.

Labcorp Genetics (formerly Invitae), Labcorp
Classification: Likely benign for Neurofibromatosis, type 1. Last evaluated: 2023-06-15. Review status: criteria provided, single submitter. Criteria: Invitae Variant Classification Sherloc (09022015). Collection method: clinical testing. Allele origin: germline.